The following is an entry in ClinVar:

ClinVar aggregate classification (germline): Uncertain significance (1 of 4 stars; one submission).

Allele frequency attached by ClinVar (database versions not stated): TOPMed below 0.00001; ExAC 0.00001; gnomAD 0.00001.
gnomAD v4.1: 16 of 1,609,578 alleles (0.00099%); highest among the groups gnomAD compares: Admixed American, 0.005%; no homozygotes.

Submission:

Labcorp Genetics (formerly Invitae), Labcorp
Classification: Uncertain significance. Last evaluated: 2025-04-02. Review status: criteria provided, single submitter. Criteria: Invitae Variant Classification Sherloc (09022015). Collection method: clinical testing. Allele origin: germline.
Comment: This sequence change replaces histidine, which is basic and polar, with glutamine, which is neutral and polar, at codon 406 of the HS6ST1 protein (p.His406Gln). This variant is present in population databases (rs748882699, gnomAD 0.009%). This variant has not been reported in the literature in individuals affected with HS6ST1-related conditions. ClinVar contains an entry for this variant (Variation ID: 1917238). An algorithm developed to predict the effect of missense changes on protein structure and function (PolyPhen-2) suggests that this variant is likely to be tolerated. In summary, the available evidence is currently insufficient to determine the role of this variant in disease. Therefore, it has been classified as a Variant of Uncertain Significance.

NM_004807.3(HS6ST1):c.1218C>G (p.His406Gln)

Gene: HS6ST1 (heparan sulfate 6-O-sulfotransferase 1; minus strand). Cytogenetic location: 2q14.3.
Variant type: single nucleotide variant.
Coding change: c.1218C>G on transcript NM_004807.3 (MANE Select); coding-DNA position 1218, C replaced by G.
Protein change: p.His406Gln; replaces histidine 406 with glutamine.
Molecular consequence: missense variant.
Genome position (GRCh38, 1-based): chr2:128,268,180, G>C on the plus strand (C>G on the coding strand, the complement: HS6ST1 is on the minus strand). VCF-style: chr2-128268180-G-C. GRCh37 (hg19) VCF-style: chr2-129025754-G-C.
Other names: short protein forms H406Q.
Identifiers: ClinVar variation 1917238 (VCV001917238.5), dbSNP rs748882699, ClinGen allele CA1867441.